The following is an entry in ClinVar:

ClinVar aggregate classification (germline): Uncertain significance (1 of 4 stars; one submission).

Submission:

Labcorp Genetics (formerly Invitae), Labcorp
Classification: Uncertain significance. Last evaluated: 2025-02-16. Review status: criteria provided, single submitter. Criteria: Invitae Variant Classification Sherloc (09022015). Collection method: clinical testing. Allele origin: germline.
Comment: This sequence change replaces threonine, which is neutral and polar, with serine, which is neutral and polar, at codon 2538 of the HMCN1 protein (p.Thr2538Ser). This variant is not present in population databases (gnomAD no frequency). This variant has not been reported in the literature in individuals affected with HMCN1-related conditions. ClinVar contains an entry for this variant (Variation ID: 2792803). An algorithm developed to predict the effect of missense changes on protein structure and function outputs the following: PolyPhen-2: "Benign". The serine amino acid residue is found in multiple mammalian species, which suggests that this missense change does not adversely affect protein function. In summary, the available evidence is currently insufficient to determine the role of this variant in disease. Therefore, it has been classified as a Variant of Uncertain Significance.

NM_031935.3(HMCN1):c.7612A>T (p.Thr2538Ser)

Gene: HMCN1 (hemicentin 1; plus strand). Cytogenetic location: 1q31.1.
Variant type: single nucleotide variant.
Coding change: c.7612A>T on transcript NM_031935.3 (MANE Select); coding-DNA position 7612, A replaced by T.
Protein change: p.Thr2538Ser; replaces threonine 2538 with serine.
Molecular consequence: missense variant.
Genome position (GRCh38, 1-based): chr1:186,065,336, A>T. VCF-style: chr1-186065336-A-T. GRCh37 (hg19) VCF-style: chr1-186034468-A-T.
Other names: short protein forms T2538S.
Identifiers: ClinVar variation 2792803 (VCV002792803.3), dbSNP rs1658039379, ClinGen allele CA343907087.
Genomic context (GRCh38, chr1:186,065,336, plus strand): 5'-CAGCCCCTCCAAGAAGATGAAGCCCATCACATTATATCTGGTGGCCGTTTTCTTCAAATT[A>T]CCAATGTCCAGGTGCCACACACTGGAAGATATACATGTTTGGCTTCCAGTCCAGCTGGCC-3'
Protein context (NP_114141.2, residues 2528-2548): IISGGRFLQI[Thr2538Ser]NVQVPHTGRY